The following is an entry in ClinVar:

NM_002734.5(PRKAR1A):c.1024C>T (p.Arg342Cys)

Gene: PRKAR1A (protein kinase cAMP-dependent type I regulatory subunit alpha; plus strand). Cytogenetic location: 17q24.2.
Variant type: single nucleotide variant.
Coding change: c.1024C>T on transcript NM_002734.5 (MANE Select); coding-DNA position 1024, C replaced by T.
Protein change: p.Arg342Cys; replaces arginine 342 with cysteine.
Molecular consequence: missense variant. On other transcripts: intron variant (1).
Genome position (GRCh38, 1-based): chr17:68,530,327, C>T. VCF-style: chr17-68530327-C-T. GRCh37 (hg19) VCF-style: chr17-66526468-C-T.
Other names: c.1024C>T, p.Arg342Cys (NM_001276289.2, NM_001278433.2, NM_001369389.1 and 3 more transcripts); c.973+326C>T (NM_001276290.1); short protein forms R342C.
Identifiers: ClinVar variation 406171 (VCV000406171.17), dbSNP rs146383819, ClinGen allele CA8729456.

ClinVar aggregate classification (germline): Conflicting classifications of pathogenicity. Review status: criteria provided, conflicting classifications (1 of 4 stars). 6 submissions from 6 submitters: Uncertain significance (5); Likely benign (1). Last evaluated 2026-01-26.

Conditions:
Acrodysostosis 1 with or without hormone resistance (ACRDYS1). Also called: ACRODYSOSTOSIS WITH HORMONE RESISTANCE; ACRODYSOSTOSIS 1 WITH HORMONE RESISTANCE; ACRODYSOSTOSIS 1 WITHOUT HORMONE RESISTANCE. Identifiers: Orphanet 280651, MedGen C3276228, MONDO:0007044, OMIM 101800.
Familial atrial myxoma. Identifiers: Orphanet 615, MedGen C2931787, MONDO:0009719, OMIM 255960.
Carney complex, type 1 (CNC1). Also called: CARNEY MYXOMA-ENDOCRINE COMPLEX; CARNEY COMPLEX, TYPE I. Identifiers: Orphanet 1359, MedGen C2607929, MONDO:0008057, OMIM 160980.
Pigmented nodular adrenocortical disease, primary, 1 (PPNAD1). Also called: ADRENOCORTICAL NODULAR DYSPLASIA, PRIMARY; CUSHING SYNDROME, ADRENAL, DUE TO PPNAD1; PIGMENTED MICRONODULAR ADRENOCORTICAL DISEASE, PRIMARY, 1. Identifiers: Orphanet 189439, MedGen C1864846, MONDO:0012509, OMIM 610489.
Hereditary cancer-predisposing syndrome. Also called: Hereditary Cancer Syndrome; Hereditary neoplastic syndrome; Neoplastic Syndromes, Hereditary; Tumor predisposition. Identifiers: Orphanet 140162, MedGen C0027672, MeSH D009386, MONDO:0015356.

Allele frequency attached by ClinVar (database versions not stated): gnomAD exomes 0.00001 and 0.00004; ExAC 0.00005; TOPMed 0.00005; gnomAD 0.00006; ESP Exome Variant Server 0.00015; 1000 Genomes Project 0.00020; 1000 Genomes Project 30x 0.00031.
gnomAD v4.1: 29 of 1,614,102 alleles (0.0018%); highest among the groups gnomAD compares: South Asian, 0.0099%; no homozygotes.

Submissions (6):

Women's Health and Genetics/Laboratory Corporation of America, LabCorp
Classification: Uncertain significance. Last evaluated: 2026-01-26. Review status: criteria provided, single submitter. Criteria: LabCorp Variant Classification Summary - May 2015. Collection method: clinical testing. Allele origin: germline.
Comment: Variant summary: PRKAR1A c.1024C>T (p.Arg342Cys) results in a non-conservative amino acid change in the encoded protein sequence. Algorithms developed to predict the effect of missense changes on protein structure and function all suggest that this variant is likely to be disruptive. The variant allele was found at a frequency of 3.6e-05 in 251370 control chromosomes. The available data on variant occurrences in the general population are insufficient to allow any conclusion about variant significance. c.1024C>T has been observed in an individual with acute lymphoblastic leukemia and in an individual with a high grade glioma, without strong evidence of causality (example: Zhang_2015). These reports do not provide unequivocal conclusions about association of the variant with Carney Complex. To our knowledge, no experimental evidence demonstrating an impact on protein function has been reported. The following publications have been ascertained in the context of this evaluation (PMID: 35234813, 26580448). ClinVar contains an entry for this variant (Variation ID: 406171). Based on the evidence outlined above, the variant was classified as uncertain significance.

Labcorp Genetics (formerly Invitae), Labcorp
Classification: Uncertain significance for Carney complex, type 1. Last evaluated: 2024-12-24. Review status: criteria provided, single submitter. Criteria: Invitae Variant Classification Sherloc (09022015). Collection method: clinical testing. Allele origin: germline.
Comment: This sequence change replaces arginine, which is basic and polar, with cysteine, which is neutral and slightly polar, at codon 342 of the PRKAR1A protein (p.Arg342Cys). This variant is present in population databases (rs146383819, gnomAD 0.02%). This variant has not been reported in the literature in individuals affected with PRKAR1A-related conditions. ClinVar contains an entry for this variant (Variation ID: 406171). Invitae Evidence Modeling of protein sequence and biophysical properties (such as structural, functional, and spatial information, amino acid conservation, physicochemical variation, residue mobility, and thermodynamic stability) indicates that this missense variant is not expected to disrupt PRKAR1A protein function with a negative predictive value of 95%. In summary, the available evidence is currently insufficient to determine the role of this variant in disease. Therefore, it has been classified as a Variant of Uncertain Significance.

GeneDx
Classification: Uncertain significance. Last evaluated: 2024-10-22. Review status: criteria provided, single submitter. Criteria: GeneDx Variant Classification Process June 2021. Collection method: clinical testing. Allele origin: germline. Affected: yes.
Comment: In silico analysis supports that this missense variant has a deleterious effect on protein structure/function; Has not been previously published as pathogenic or benign to our knowledge; This variant is associated with the following publications: (PMID: 24363928)

Baylor Genetics
Classification: Uncertain significance for Acrodysostosis 1 with or without hormone resistance. Last evaluated: 2023-09-15. Review status: criteria provided, single submitter. Criteria: ACMG Guidelines, 2015. Collection method: clinical testing. Allele origin: unknown.

Ambry Genetics
Classification: Likely benign for Hereditary cancer-predisposing syndrome. Last evaluated: 2022-09-28. Review status: criteria provided, single submitter. Criteria: Ambry Variant Classification Scheme 2023. Collection method: clinical testing. Allele origin: germline.

Fulgent Genetics
Classification: Uncertain significance for Acrodysostosis 1 with or without hormone resistance; Carney complex, type 1; Familial atrial myxoma; Pigmented nodular adrenocortical disease, primary, 1. Last evaluated: 2021-07-30. Review status: criteria provided, single submitter. Criteria: ACMG Guidelines, 2015. Collection method: clinical testing. Allele origin: unknown.

Literature cited by the submitters: PubMed 26580448 (cited by Women's Health and Genetics/Laboratory Corporation of America, LabCorp); PubMed 35234813 (cited by Women's Health and Genetics/Laboratory Corporation of America, LabCorp).